The following is an entry in ClinVar:

NM_015164.4(PLEKHM2):c.1997A>G (p.Asp666Gly)

Gene: PLEKHM2 (pleckstrin homology and RUN domain containing M2; plus strand). Cytogenetic location: 1p36.21.
Variant type: single nucleotide variant.
Coding change: c.1997A>G on transcript NM_015164.4 (MANE Select); coding-DNA position 1997, A replaced by G.
Protein change: p.Asp666Gly; replaces aspartic acid 666 with glycine.
Molecular consequence: missense variant.
Genome position (GRCh38, 1-based): chr1:15,729,112, A>G. VCF-style: chr1-15729112-A-G. GRCh37 (hg19) VCF-style: chr1-16055607-A-G.
Other names: c.1937A>G, p.Asp646Gly (NM_001410755.1); short protein forms D646G, D666G.
Identifiers: ClinVar variation 3685590 (VCV003685590.2).

ClinVar aggregate classification (germline): Uncertain significance (1 of 4 stars; one submission).

gnomAD v4.1: 4 of 1,609,222 alleles (0.00025%); highest among the groups gnomAD compares: Non-Finnish European, 0.00034%; no homozygotes.

Submission:

Labcorp Genetics (formerly Invitae), Labcorp
Classification: Uncertain significance. Last evaluated: 2024-10-08. Review status: criteria provided, single submitter. Criteria: Invitae Variant Classification Sherloc (09022015). Collection method: clinical testing. Allele origin: germline.
Comment: This sequence change replaces aspartic acid, which is acidic and polar, with glycine, which is neutral and non-polar, at codon 666 of the PLEKHM2 protein (p.Asp666Gly). This variant is not present in population databases (gnomAD no frequency). This variant has not been reported in the literature in individuals affected with PLEKHM2-related conditions. An algorithm developed to predict the effect of missense changes on protein structure and function outputs the following: PolyPhen-2: "Benign". The glycine amino acid residue is found in multiple mammalian species, which suggests that this missense change does not adversely affect protein function. In summary, the available evidence is currently insufficient to determine the role of this variant in disease. Therefore, it has been classified as a Variant of Uncertain Significance.